The following is an entry in ClinVar:

NM_000531.6(OTC):c.503A>G (p.His168Arg)

Gene: OTC (ornithine transcarbamylase; plus strand). Cytogenetic location: Xp11.4.
Variant type: single nucleotide variant.
Coding change: c.503A>G on transcript NM_000531.6 (MANE Select); coding-DNA position 503, A replaced by G.
Protein change: p.His168Arg; replaces histidine 168 with arginine.
Molecular consequence: missense variant.
Genome position (GRCh38, 1-based): chrX:38,401,391, A>G. VCF-style: chrX-38401391-A-G. GRCh37 (hg19) VCF-style: chrX-38260644-A-G.
Other names: short protein forms H168R.
Identifiers: ClinVar variation 97225 (VCV000097225.8), dbSNP rs66867430, ClinGen allele CA224651.

ClinVar aggregate classification (germline): Pathogenic. Review status: criteria provided, single submitter (1 of 4 stars). 2 submissions from 2 submitters: Pathogenic (1). 1 of the submissions does not count toward it. Last evaluated 2021-04-30.

Conditions:
Ornithine carbamoyltransferase deficiency (OTCD). Also called: ORNITHINE TRANSCARBAMYLASE DEFICIENCY, HYPERAMMONEMIA DUE TO; ORNITHINE TRANSCARBAMYLASE DEFICIENCY; OTC DEFICIENCY; Ornithine Carbamoyltransferase Deficiency Disease. Identifiers: Orphanet 664, MedGen C0268542, MONDO:0010703, OMIM 311250.

Submissions (2):

Labcorp Genetics (formerly Invitae), Labcorp
Classification: Pathogenic for Ornithine carbamoyltransferase deficiency. Last evaluated: 2021-04-30. Review status: criteria provided, single submitter. Criteria: Invitae Variant Classification Sherloc (09022015). Collection method: clinical testing. Allele origin: germline.
Comment: This variant disrupts the p.His168 amino acid residue in OTC. Other variant(s) that disrupt this residue have been observed in individuals with OTC-related conditions (PMID: 16786505, 9266388), which suggests that this may be a clinically significant amino acid residue. This sequence change replaces histidine with arginine at codon 168 of the OTC protein (p.His168Arg). The histidine residue is highly conserved and there is a small physicochemical difference between histidine and arginine. This variant is not present in population databases (ExAC no frequency). This variant has been observed in individual(s) with OTC deficiency (PMID: 9266387, Invitae). This variant is also known as p.H163R. ClinVar contains an entry for this variant (Variation ID: 97225). Advanced modeling of protein sequence and biophysical properties (such as structural, functional, and spatial information, amino acid conservation, physicochemical variation, residue mobility, and thermodynamic stability) performed at Invitae indicates that this missense variant is expected to disrupt OTC protein function. For these reasons, this variant has been classified as Pathogenic.

GenMed Metabolism Lab
Classification: Pathogenic. Review status: no assertion criteria provided. Collection method: not provided. Allele origin: unknown. Not counted in ClinVar's aggregate classification.
ClinVar note: Converted during submission from pathogenic to Pathogenic.

Literature cited by the submitters: PubMed 16786505 (cited by Labcorp Genetics (formerly Invitae), Labcorp); PubMed 9266388 (cited by Labcorp Genetics (formerly Invitae), Labcorp); PubMed 9266387 (cited by Labcorp Genetics (formerly Invitae), Labcorp).